The following is an entry in ClinVar:

ClinVar aggregate classification (germline): Uncertain significance (1 of 4 stars; one submission).

Conditions:
Autoimmune lymphoproliferative syndrome, type III caused by mutation in PRKCD. Identifiers: Orphanet 3261, Orphanet 664711, MedGen C3809928, MONDO:8000024, OMIM 615559.

Allele frequency attached by ClinVar (database versions not stated): gnomAD exomes below 0.00001 and 0.00001; ExAC 0.00002.
gnomAD v4.1: 2 of 1,614,142 alleles (0.00012%); highest among the groups gnomAD compares: South Asian, 0.0011%; no homozygotes.

Submission:

Labcorp Genetics (formerly Invitae), Labcorp
Classification: Uncertain significance for Autoimmune lymphoproliferative syndrome, type III caused by mutation in PRKCD. Last evaluated: 2022-06-27. Review status: criteria provided, single submitter. Criteria: Invitae Variant Classification Sherloc (09022015). Collection method: clinical testing. Allele origin: germline.
Comment: This sequence change replaces leucine, which is neutral and non-polar, with phenylalanine, which is neutral and non-polar, at codon 582 of the PRKCD protein (p.Leu582Phe). In summary, the available evidence is currently insufficient to determine the role of this variant in disease. Therefore, it has been classified as a Variant of Uncertain Significance. Algorithms developed to predict the effect of sequence changes on RNA splicing suggest that this variant may disrupt the consensus splice site. Algorithms developed to predict the effect of missense changes on protein structure and function (SIFT, PolyPhen-2, Align-GVGD) all suggest that this variant is likely to be tolerated. This variant has not been reported in the literature in individuals affected with PRKCD-related conditions. This variant is present in population databases (rs781964037, gnomAD 0.003%).

NM_006254.4(PRKCD):c.1744C>T (p.Leu582Phe)

Gene: PRKCD (protein kinase C delta; plus strand). Cytogenetic location: 3p21.1.
Variant type: single nucleotide variant.
Coding change: c.1744C>T on transcript NM_006254.4 (MANE Select); coding-DNA position 1744, C replaced by T.
Protein change: p.Leu582Phe; replaces leucine 582 with phenylalanine.
Molecular consequence: missense variant.
Genome position (GRCh38, 1-based): chr3:53,189,873, C>T. VCF-style: chr3-53189873-C-T. GRCh37 (hg19) VCF-style: chr3-53223889-C-T.
Other names: c.1744C>T, p.Leu582Phe (NM_001316327.2, NM_001354679.2, NM_001354680.2 and 1 more transcripts); c.1801C>T, p.Leu601Phe (NM_001354676.2); c.1792C>T, p.Leu598Phe (NM_001354678.2); short protein forms L601F, L582F, L598F.
Identifiers: ClinVar variation 1509141 (VCV001509141.6), dbSNP rs781964037, ClinGen allele CA2452289.